The following is an entry in ClinVar:

NM_001025603.2(RFX5):c.719C>G (p.Ser240Cys)

Gene: RFX5 (regulatory factor X5; minus strand). Cytogenetic location: 1q21.3.
Variant type: single nucleotide variant.
Coding change: c.719C>G on transcript NM_001025603.2 (MANE Select); coding-DNA position 719, C replaced by G.
Protein change: p.Ser240Cys; replaces serine 240 with cysteine.
Molecular consequence: missense variant.
Genome position (GRCh38, 1-based): chr1:151,343,719, G>C on the plus strand (C>G on the coding strand, the complement: RFX5 is on the minus strand). VCF-style: chr1-151343719-G-C. GRCh37 (hg19) VCF-style: chr1-151316195-G-C.
Other names: c.719C>G, p.Ser240Cys (NM_000449.4, NM_001379412.1, NM_001379413.1 and 5 more transcripts); c.599C>G, p.Ser200Cys (NM_001379419.1, NM_001379420.1); short protein forms S200C, S240C.
Identifiers: ClinVar variation 955377 (VCV000955377.9), dbSNP rs1650729647, ClinGen allele CA341936996.

ClinVar aggregate classification (germline): Uncertain significance (1 of 4 stars; one submission).

Conditions:
MHC class II deficiency. Also called: Bare lymphocyte syndrome 2; BLS, TYPE II. Identifiers: Orphanet 572, MedGen C5447452, MONDO:0008855.

Allele frequency attached by ClinVar (database versions not stated): gnomAD exomes below 0.00001.
gnomAD v4.1: 3 of 1,614,150 alleles (0.00019%); highest among the groups gnomAD compares: Non-Finnish European, 0.00025%; no homozygotes.

Submission:

Labcorp Genetics (formerly Invitae), Labcorp
Classification: Uncertain significance for MHC class II deficiency. Last evaluated: 2022-03-19. Review status: criteria provided, single submitter. Criteria: Invitae Variant Classification Sherloc (09022015). Collection method: clinical testing. Allele origin: germline.
Comment: This variant has not been reported in the literature in individuals affected with RFX5-related conditions. This variant is not present in population databases (gnomAD no frequency). This sequence change replaces serine, which is neutral and polar, with cysteine, which is neutral and slightly polar, at codon 240 of the RFX5 protein (p.Ser240Cys). In summary, the available evidence is currently insufficient to determine the role of this variant in disease. Therefore, it has been classified as a Variant of Uncertain Significance. Algorithms developed to predict the effect of missense changes on protein structure and function are either unavailable or do not agree on the potential impact of this missense change (SIFT: "Tolerated"; PolyPhen-2: "Possibly Damaging"; Align-GVGD: "Class C0"). ClinVar contains an entry for this variant (Variation ID: 955377).